The following is an entry in ClinVar:

NM_000383.4(AIRE):c.798+2dup

Gene: AIRE (autoimmune regulator; plus strand). Cytogenetic location: 21q22.3.
Variant type: Duplication.
Coding change: c.798+2dup on transcript NM_000383.4 (MANE Select); the canonical splice donor site of the intron after coding-DNA position 798, one base duplicated (T; older notation c.798+2dupT).
Molecular consequence: splice donor variant.
Genome position (GRCh38, 1-based): chr21:44,289,804, T duplicated. VCF-style (leftmost placement, unchanged base first): chr21-44289803-G-GT. GRCh37 (hg19) VCF-style: chr21-45709686-G-GT.
Other names: c.798+2dupT (NM_000383.4).
Identifiers: ClinVar variation 4536069 (VCV004536069.1).

ClinVar aggregate classification (germline): Uncertain significance (1 of 4 stars; one submission).

Submission:

Women's Health and Genetics/Laboratory Corporation of America, LabCorp
Classification: Uncertain significance. Last evaluated: 2025-09-22. Review status: criteria provided, single submitter. Criteria: LabCorp Variant Classification Summary - May 2015. Collection method: clinical testing. Allele origin: germline.
Comment: Variant summary: AIRE c.798+2dupT alters a nucleotide located close to a canonical splice site and therefore could affect mRNA splicing, leading to a significantly altered protein sequence. Several computational tools predict a significant impact on normal splicing: Four predict the variant abolishes a 5' splicing donor site. However, these predictions have yet to be confirmed by functional studies. The variant allele was found at a frequency of 4e-06 in 247044 control chromosomes. The available data on variant occurrences in the general population are insufficient to allow any conclusion about variant significance. To our knowledge, no occurrence of c.798+2dupT in individuals affected with AIRE-related conditions and no experimental evidence demonstrating its impact on protein function have been reported. No submitters have cited clinical-significance assessments for this variant to ClinVar. Based on the evidence outlined above, the variant was classified as uncertain significance.